The following is an entry in ClinVar:

ClinVar aggregate classification (germline): Pathogenic (1 of 4 stars; one submission).

Conditions:
RASopathy. Also called: Noonan spectrum disorder; rasopathies. Identifiers: Orphanet 536391, MedGen C5555857, MONDO:0021060.

Submission:

Labcorp Genetics (formerly Invitae), Labcorp
Classification: Pathogenic for RASopathy. Last evaluated: 2022-09-23. Review status: criteria provided, single submitter. Criteria: Invitae Variant Classification Sherloc (09022015). Collection method: clinical testing. Allele origin: germline.
Comment: Algorithms developed to predict the effect of sequence changes on RNA splicing suggest that this variant may create or strengthen a splice site. For these reasons, this variant has been classified as Pathogenic. This variant has not been reported in the literature in individuals affected with PTPN11-related conditions. This sequence change creates a premature translational stop signal (p.Glu249*) in the PTPN11 gene. It is expected to result in an absent or disrupted protein product. Loss-of-function variants in PTPN11 are known to be pathogenic (PMID: 20577567, 21533187). This variant is not present in population databases (gnomAD no frequency).

Literature cited by the submitters: PubMed 20577567; PubMed 21533187.

NM_002834.5(PTPN11):c.745G>T (p.Glu249Ter)

Gene: PTPN11 (protein tyrosine phosphatase non-receptor type 11; plus strand). Cytogenetic location: 12q24.13.
Variant type: single nucleotide variant.
Coding change: c.745G>T on transcript NM_002834.5 (MANE Select); coding-DNA position 745, G replaced by T.
Protein change: p.Glu249Ter; replaces glutamic acid 249 with a stop codon.
Molecular consequence: nonsense.
Genome position (GRCh38, 1-based): chr12:112,456,052, G>T. VCF-style: chr12-112456052-G-T. GRCh37 (hg19) VCF-style: chr12-112893856-G-T.
Other names: c.745G>T, p.Glu249Ter (NM_001330437.2, NM_080601.3); c.742G>T, p.Glu248Ter (NM_001374625.1); short protein forms E249*, E248*.
Identifiers: ClinVar variation 2032146 (VCV002032146.4), dbSNP rs2540425577, ClinGen allele CA386784982.